The following is an entry in ClinVar:

NM_134444.5(NLRP4):c.2697-169A>G

Gene: NLRP4 (NLR family pyrin domain containing 4; plus strand). Cytogenetic location: 19q13.43.
Variant type: single nucleotide variant.
Coding change: c.2697-169A>G on transcript NM_134444.5 (MANE Select); 169 bases into the intron before coding-DNA position 2697, A replaced by G.
Molecular consequence: intron variant.
Genome position (GRCh38, 1-based): chr19:55,878,625, A>G. VCF-style: chr19-55878625-A-G. GRCh37 (hg19) VCF-style: chr19-56389991-A-G.
Identifiers: ClinVar variation 103224 (VCV000103224.2), dbSNP rs199475754, ClinGen allele CA230280.

ClinVar aggregate classification (germline): not provided (0 of 4 stars; one submission).

Allele frequency attached by ClinVar (database versions not stated): gnomAD 0.00001.
gnomAD v4.1: 1 of 152,280 alleles (0.00066%); highest among the groups gnomAD compares: East Asian, 0.019%; no homozygotes.

Submission:

Human Evolutionary Genetics, Institut Pasteur
No classification provided. Review status: no classification provided. Collection method: not provided. Allele origin: germline.
ClinVar note: Converted during submission from untested to not provided.